The following is an entry in ClinVar:

NM_006618.5(KDM5B):c.206A>C (p.Asp69Ala)

Gene: KDM5B (lysine demethylase 5B; minus strand). Cytogenetic location: 1q32.1.
Variant type: single nucleotide variant.
Coding change: c.206A>C on transcript NM_006618.5 (MANE Select); coding-DNA position 206, A replaced by C.
Protein change: p.Asp69Ala; replaces aspartic acid 69 with alanine.
Molecular consequence: missense variant.
Genome position (GRCh38, 1-based): chr1:202,777,093, T>G on the plus strand (A>C on the coding strand, the complement: KDM5B is on the minus strand). VCF-style: chr1-202777093-T-G. GRCh37 (hg19) VCF-style: chr1-202746221-T-G.
Other names: c.206A>C, p.Asp69Ala (NM_001314042.2, NM_001347591.2); c.191A>C, p.Asp64Ala (NM_001399817.1); short protein forms D69A, D64A.
Identifiers: ClinVar variation 4718901 (VCV004718901.1).

ClinVar aggregate classification (germline): Uncertain significance (1 of 4 stars; one submission).

gnomAD v4.1: 2 of 1,611,722 alleles (0.00012%); highest among the groups gnomAD compares: Non-Finnish European, 0.00017%; no homozygotes.

Submission:

Labcorp Genetics (formerly Invitae), Labcorp
Classification: Uncertain significance. Last evaluated: 2025-05-04. Review status: criteria provided, single submitter. Criteria: Invitae Variant Classification Sherloc (09022015). Collection method: clinical testing. Allele origin: germline.
Comment: This sequence change replaces aspartic acid, which is acidic and polar, with alanine, which is neutral and non-polar, at codon 69 of the KDM5B protein (p.Asp69Ala). This variant is not present in population databases (gnomAD no frequency). This variant has not been reported in the literature in individuals affected with KDM5B-related conditions. An algorithm developed to predict the effect of missense changes on protein structure and function outputs the following: PolyPhen-2: "Benign". The alanine amino acid residue is found in multiple mammalian species, which suggests that this missense change does not adversely affect protein function. In summary, the available evidence is currently insufficient to determine the role of this variant in disease. Therefore, it has been classified as a Variant of Uncertain Significance.